The following is an entry in ClinVar:

ClinVar aggregate classification (germline): Conflicting classifications of pathogenicity. Review status: criteria provided, conflicting classifications (1 of 4 stars). 5 submissions from 5 submitters: Uncertain significance (4); Likely benign (1). Last evaluated 2025-06-20.

Conditions:
Familial thoracic aortic aneurysm and aortic dissection (TAAD). Also called: Thoracic aortic aneurysms and dissections. Identifiers: Orphanet 91387, MedGen C4707243, MONDO:0019625.
Marfan syndrome (MFS). Also called: Marfan syndrome, classic; Marfan syndrome type 1; Marfan's syndrome; FBN1-Related Marfan Syndrome; MARFAN SYNDROME, TYPE I. Identifiers: Orphanet 284963, Orphanet 558, MedGen C0024796, MONDO:0007947, OMIM 154700.

Allele frequency attached by ClinVar (database versions not stated): gnomAD 0.00001; TOPMed 0.00003; gnomAD exomes below 0.00001; ExAC 0.00001.
gnomAD v4.1: 6 of 1,613,938 alleles (0.00037%); highest among the groups gnomAD compares: African/African-American, 0.0067%; no homozygotes.

Submissions (5):

GeneDx
Classification: Uncertain significance. Last evaluated: 2025-06-20. Review status: criteria provided, single submitter. Criteria: GeneDx Variant Classification Process June 2021. Collection method: clinical testing. Allele origin: germline. Affected: yes.
Comment: Reported in a patient with adolescent idiopathic scoliosis in published literature (PMID: 24833718); Not observed at significant frequency in large population cohorts (gnomAD); In silico analysis supports that this missense variant has a deleterious effect on protein structure/function; Does not affect a cysteine or calcium-binding residue within an EGF-like domain or a TGF-binding protein domain of the FBN1 gene; cysteine substitutions in the EGF-like domains represent the majority of pathogenic missense changes associated with FBN1-related disorders (PMID: 12938084); This variant is associated with the following publications: (PMID: 12938084, 24833718)

Color Diagnostics, LLC DBA Color Health
Classification: Uncertain significance for Familial thoracic aortic aneurysm and aortic dissection. Last evaluated: 2024-09-23. Review status: criteria provided, single submitter. Criteria: ACMG Guidelines, 2015. Collection method: clinical testing. Allele origin: germline.
Comment: This missense variant replaces glutamine with arginine at codon 697 of the FBN1 protein. Computational prediction tools indicate that this variant's impact on protein structure and function is inconclusive. To our knowledge, functional studies have not been reported for this variant. This variant has been reported in an individual affected with adolescent idiopathic scoliosis (PMID: 24833718). This variant has been identified in 1/251382 chromosomes in the general population by the Genome Aggregation Database (gnomAD). The available evidence is insufficient to determine the role of this variant in disease conclusively. Therefore, this variant is classified as a Variant of Uncertain Significance.

Labcorp Genetics (formerly Invitae), Labcorp
Classification: Likely benign for Marfan syndrome; Familial thoracic aortic aneurysm and aortic dissection. Last evaluated: 2024-02-22. Review status: criteria provided, single submitter. Criteria: Invitae Variant Classification Sherloc (09022015). Collection method: clinical testing. Allele origin: germline.

All of Us Research Program, National Institutes of Health
Classification: Uncertain significance for Marfan syndrome. Last evaluated: 2023-05-15. Review status: criteria provided, single submitter. Criteria: ACMG Guidelines, 2015. Collection method: clinical testing. Allele origin: germline. Inheritance: Autosomal dominant inheritance. Observed: 4 variant alleles, 4 heterozygotes.
Comment: Variant of Uncertain Significance due to insufficient evidence: This missense variant is located in the TGFbeta-like motif 3 of the FBN1 protein. Computational prediction tools and conservation analyses suggest that this variant may have deleterious impact on the protein function. Computational splicing tools suggest that this variant may not impact RNA splicing. To our knowledge, functional assays have not been performed for this variant. This variant has been reported in an individual affected with adolescent idiopathic scoliosis (PMID: 24833718). This variant has been identified in 1/246152 chromosomes in the general population by the Genome Aggregation Database (gnomAD). Available evidence is insufficient to determine the pathogenicity of this variant conclusively.

This study involves interpretation of variants in research participants for the purpose of population health screening. Participant phenotype was not available at the time of variant classification. Additional details can be found in publication PMID: 35346344, PMCID: PMC8962531

Revvity Omics, Revvity
Classification: Uncertain significance. Last evaluated: 2020-03-19. Review status: criteria provided, single submitter. Criteria: ACMG Guidelines, 2015. Collection method: clinical testing. Allele origin: germline.

Literature cited by the submitters: PubMed 24833718 (cited by Color Diagnostics, LLC DBA Color Health and All of Us Research Program, National Institutes of Health).

NM_000138.5(FBN1):c.2090A>G (p.Gln697Arg)

Gene: FBN1 (fibrillin 1; minus strand). Cytogenetic location: 15q21.1.
Variant type: single nucleotide variant.
Coding change: c.2090A>G on transcript NM_000138.5 (MANE Select); coding-DNA position 2090, A replaced by G.
Protein change: p.Gln697Arg; replaces glutamine 697 with arginine.
Molecular consequence: missense variant.
Genome position (GRCh38, 1-based): chr15:48,503,810, T>C on the plus strand (A>G on the coding strand, the complement: FBN1 is on the minus strand). VCF-style: chr15-48503810-T-C. GRCh37 (hg19) VCF-style: chr15-48796007-T-C.
Other names: short protein forms Q697R.
Identifiers: ClinVar variation 922165 (VCV000922165.17), dbSNP rs769708437, ClinGen allele CA046714.